The following is an entry in ClinVar:

ClinVar aggregate classification (germline): Pathogenic (1 of 4 stars; one submission).

Conditions:
Peroxisome biogenesis disorder 9B. Also called: PEX7-Related Refsum Disease; Refsum disease, adult, 2; PEROXISOME BIOGENESIS DISORDER, PEX7-RELATED, ATYPICAL. Identifiers: Orphanet 773, MedGen C2749346, MONDO:0013945, OMIM 614879.

Submission:

Labcorp Genetics (formerly Invitae), Labcorp
Classification: Pathogenic for Peroxisome biogenesis disorder 9B. Last evaluated: 2023-03-23. Review status: criteria provided, single submitter. Criteria: Invitae Variant Classification Sherloc (09022015). Collection method: clinical testing. Allele origin: germline.
Comment: This sequence change creates a premature translational stop signal (p.Thr97Cysfs*11) in the PEX7 gene. It is expected to result in an absent or disrupted protein product. Loss-of-function variants in PEX7 are known to be pathogenic (PMID: 12325024, 12522768, 20301447). This variant is not present in population databases (gnomAD no frequency). This variant has not been reported in the literature in individuals affected with PEX7-related conditions. For these reasons, this variant has been classified as Pathogenic.

Literature cited by the submitters: PubMed 12325024; PubMed 12522768; PubMed 20301447.

NM_000288.4(PEX7):c.289_290del (p.Thr97fs)

Gene: PEX7 (peroxisomal biogenesis factor 7; plus strand). Cytogenetic location: 6q23.3.
Variant type: Microsatellite.
Coding change: c.289_290del on transcript NM_000288.4 (MANE Select); coding-DNA positions 289 to 290, 2 bases deleted (AC; older notation c.289_290delAC).
Protein change: p.Thr97fs; shifts the reading frame from threonine 97.
Molecular consequence: frameshift variant.
Genome position (GRCh38, 1-based): chr6:136,826,419-136,826,420, AC deleted; deleting any 2 consecutive bases within chr6:136,826,417-136,826,420 gives the same sequence; the c. name uses the placement nearest the transcript's 3' end. VCF-style (leftmost placement, unchanged base first): chr6-136826416-GAC-G. GRCh37 (hg19) VCF-style: chr6-137147554-GAC-G.
Other names: c.175_176del, p.Thr59fs (NM_001410945.1); short protein forms T59fs, T97fs.
Identifiers: ClinVar variation 2848952 (VCV002848952.3), dbSNP rs2548072133, ClinGen allele CA913109585.
Genomic context (GRCh38, chr6:136,826,416, plus strand): 5'-AGTGAGAACAACGAACATGTCCTCATCACCTGTAGTGGCGATGGCTCGCTGCAGCTCTGG[GAC>G]ACTGCCAAAGCTGCAGGGCCACTGCAAGTCTATAAAGAACACGCTCAGGAGGTAGGAGGG-3'